The following is an entry in ClinVar:

NM_000238.4(KCNH2):c.2684C>G (p.Thr895Arg)

Gene: KCNH2 (potassium voltage-gated channel subfamily H member 2; minus strand). Cytogenetic location: 7q36.1.
Variant type: single nucleotide variant.
Coding change: c.2684C>G on transcript NM_000238.4 (MANE Select); coding-DNA position 2684, C replaced by G.
Protein change: p.Thr895Arg; replaces threonine 895 with arginine.
Molecular consequence: missense variant.
Genome position (GRCh38, 1-based): chr7:150,948,452, G>C on the plus strand (C>G on the coding strand, the complement: KCNH2 is on the minus strand). VCF-style: chr7-150948452-G-C. GRCh37 (hg19) VCF-style: chr7-150645540-G-C.
Other names: c.1664C>G, p.Thr555Arg (NM_172057.3); short protein forms T555R, T895R.
Identifiers: ClinVar variation 919273 (VCV000919273.14), dbSNP rs199473434, ClinGen allele CA034086.

ClinVar aggregate classification (germline): Uncertain significance. Review status: criteria provided, multiple submitters, no conflicts (2 of 4 stars). 5 submissions from 5 submitters: Uncertain significance (5). Last evaluated 2025-03-07.

Conditions:
Cardiac arrhythmia. Also called: Arrhythmia; Cardiac rhythm disease. Identifiers: MedGen C0003811, MONDO:0007263, HP:0011675.
Long QT syndrome (LQTS). Identifiers: MedGen C0023976, MeSH D008133, MONDO:0002442. Disease mechanism: loss of function. Inheritance: Various modes of inheritance.
Long QT syndrome 2 (LQT2). Identifiers: Orphanet 101016, Orphanet 768, MedGen C3150943, MONDO:0013367, OMIM 613688.
Cardiovascular phenotype. Identifiers: MedGen CN230736.

Submissions (5):

Ambry Genetics
Classification: Uncertain significance for Cardiovascular phenotype. Last evaluated: 2025-03-07. Review status: criteria provided, single submitter. Criteria: Ambry Variant Classification Scheme 2023. Collection method: clinical testing. Allele origin: germline.
Comment: The p.T895R variant (also known as c.2684C>G), located in coding exon 11 of the KCNH2 gene, results from a C to G substitution at nucleotide position 2684. The threonine at codon 895 is replaced by arginine, an amino acid with similar properties. This amino acid position is highly conserved in available vertebrate species. In addition, this alteration is predicted to be deleterious by in silico analysis. Based on the available evidence, the clinical significance of this variant remains unclear.

Genomic Medicine Center of Excellence, King Faisal Specialist Hospital and Research Centre
Classification: Uncertain significance for Long QT syndrome 2. Last evaluated: 2024-03-26. Review status: criteria provided, single submitter. Criteria: ACMG Guidelines, 2015. Collection method: clinical testing. Allele origin: germline.

All of Us Research Program, National Institutes of Health
Classification: Uncertain significance for Long QT syndrome. Last evaluated: 2024-03-05. Review status: criteria provided, single submitter. Criteria: ACMG Guidelines, 2015. Collection method: clinical testing. Allele origin: germline. Inheritance: Autosomal dominant inheritance. Observed: 2 variant alleles, 2 heterozygotes.
Comment: This missense variant replaces threonine with arginine at codon 895 of the KCNH2 protein. Computational prediction is inconclusive regarding the impact of this variant on protein structure and function (internally defined REVEL score threshold 0.5 < inconclusive < 0.7, PMID: 27666373). To our knowledge, functional studies have not been reported for this variant. This variant has not been reported in individuals affected with cardiovascular disorders in the literature. This variant has not been identified in the general population by the Genome Aggregation Database (gnomAD). The available evidence is insufficient to determine the role of this variant in disease conclusively. Therefore, this variant is classified as a Variant of Uncertain Significance.

This study involves interpretation of variants in research participants for the purpose of population health screening. Participant phenotype was not available at the time of variant classification. Additional details can be found in publication PMID: 35346344, PMCID: PMC8962531

Labcorp Genetics (formerly Invitae), Labcorp
Classification: Uncertain significance for Long QT syndrome. Last evaluated: 2024-02-05. Review status: criteria provided, single submitter. Criteria: Invitae Variant Classification Sherloc (09022015). Collection method: clinical testing. Allele origin: germline.
Comment: This sequence change replaces threonine, which is neutral and polar, with arginine, which is basic and polar, at codon 895 of the KCNH2 protein (p.Thr895Arg). The frequency data for this variant in the population databases is considered unreliable, as metrics indicate poor data quality at this position in the gnomAD database. This variant has not been reported in the literature in individuals affected with KCNH2-related conditions. ClinVar contains an entry for this variant (Variation ID: 919273). An algorithm developed to predict the effect of missense changes on protein structure and function (PolyPhen-2) suggests that this variant is likely to be disruptive. In summary, the available evidence is currently insufficient to determine the role of this variant in disease. Therefore, it has been classified as a Variant of Uncertain Significance.

Color Diagnostics, LLC DBA Color Health
Classification: Uncertain significance for Cardiac arrhythmia. Last evaluated: 2023-06-01. Review status: criteria provided, single submitter. Criteria: ACMG Guidelines, 2015. Collection method: clinical testing. Allele origin: germline.
Comment: This missense variant replaces threonine with arginine at codon 895 of the KCNH2 protein. Computational prediction is inconclusive regarding the impact of this variant on protein structure and function (internally defined REVEL score threshold 0.5 < inconclusive < 0.7, PMID: 27666373). To our knowledge, functional studies have not been reported for this variant. This variant has not been reported in individuals affected with cardiovascular disorders in the literature. This variant has not been identified in the general population by the Genome Aggregation Database (gnomAD). The available evidence is insufficient to determine the role of this variant in disease conclusively. Therefore, this variant is classified as a Variant of Uncertain Significance.